The following is an entry in ClinVar:

ClinVar aggregate classification (germline): Uncertain significance (1 of 4 stars; one submission).

Conditions:
Duchenne muscular dystrophy (DMD). Also called: Duchenne Muscular Dystrophy (DMD); MUSCULAR DYSTROPHY, PSEUDOHYPERTROPHIC PROGRESSIVE, DUCHENNE TYPE. Identifiers: Orphanet 98896, MedGen C0013264, MONDO:0010679, OMIM 310200.

Submission:

Labcorp Genetics (formerly Invitae), Labcorp
Classification: Uncertain significance for Duchenne muscular dystrophy. Last evaluated: 2022-10-09. Review status: criteria provided, single submitter. Criteria: Invitae Variant Classification Sherloc (09022015). Collection method: clinical testing. Allele origin: germline.
Comment: This variant results in a copy number gain of the genomic region encompassing exon(s) 1 of the DMD gene. This region includes the initiator codon of the gene. This copy number gain extends beyond the assayed region for this gene and therefore may encompass additional genes. As the precise location of this event is unknown, it may be in tandem or it may be located elsewhere in the genome. This variant has not been reported in the literature in individuals affected with DMD-related conditions. In summary, the available evidence is currently insufficient to determine the role of this variant in disease. Therefore, it has been classified as a Variant of Uncertain Significance.

NC_000023.10:g.(?_33229379)_(33229429_?)dup

Gene: DMD (dystrophin; minus strand). Cytogenetic location: Xp21.1.
Variant type: Duplication.
Identifiers: ClinVar variation 2424854 (VCV002424854.4).